The following is an entry in ClinVar:

NM_007357.3(COG2):c.81C>T (p.Phe27=)

Gene: COG2 (component of oligomeric golgi complex 2; plus strand). Cytogenetic location: 1q42.2.
Variant type: single nucleotide variant.
Coding change: c.81C>T on transcript NM_007357.3 (MANE Select); coding-DNA position 81, C replaced by T.
Protein change: p.Phe27=; no amino-acid change (phenylalanine 27 retained).
Molecular consequence: synonymous variant.
Genome position (GRCh38, 1-based): chr1:230,659,472, C>T. VCF-style: chr1-230659472-C-T. GRCh37 (hg19) VCF-style: chr1-230795218-C-T.
Other names: c.81C>T, p.Phe27= (NM_001145036.2).
Identifiers: ClinVar variation 2144298 (VCV002144298.4), dbSNP rs1349190357, ClinGen allele CA423869044.

ClinVar aggregate classification (germline): Uncertain significance (1 of 4 stars; one submission).

Conditions:
Congenital disorder of glycosylation, type IIq. Also called: CDG IIq. Identifiers: Orphanet 435934, MedGen C4479353, MONDO:0054559, OMIM 617395.

Allele frequency attached by ClinVar (database versions not stated): gnomAD 0.00001; gnomAD exomes 0.00001; TOPMed 0.00001.
gnomAD v4.1: 19 of 1,613,018 alleles (0.0012%); highest among the groups gnomAD compares: East Asian, 0.0022%; no homozygotes.

Submission:

Labcorp Genetics (formerly Invitae), Labcorp
Classification: Uncertain significance for Congenital disorder of glycosylation, type IIq. Last evaluated: 2022-07-04. Review status: criteria provided, single submitter. Criteria: Invitae Variant Classification Sherloc (09022015). Collection method: clinical testing. Allele origin: germline.
Comment: Algorithms developed to predict the effect of sequence changes on RNA splicing suggest that this variant may create or strengthen a splice site. In summary, the available evidence is currently insufficient to determine the role of this variant in disease. Therefore, it has been classified as a Variant of Uncertain Significance. This variant has not been reported in the literature in individuals affected with COG2-related conditions. This variant is not present in population databases (gnomAD no frequency). This sequence change affects codon 27 of the COG2 mRNA. It is a 'silent' change, meaning that it does not change the encoded amino acid sequence of the COG2 protein.